The following is an entry in ClinVar:

NM_001367624.2(ZNF469):c.9604G>A (p.Ala3202Thr)

Gene: ZNF469 (zinc finger protein 469; plus strand). Cytogenetic location: 16q24.2.
Variant type: single nucleotide variant.
Coding change: c.9604G>A on transcript NM_001367624.2 (MANE Select); coding-DNA position 9604, G replaced by A.
Protein change: p.Ala3202Thr; replaces alanine 3202 with threonine.
Molecular consequence: missense variant.
Genome position (GRCh38, 1-based): chr16:88,437,074, G>A. VCF-style: chr16-88437074-G-A. GRCh37 (hg19) VCF-style: chr16-88503482-G-A.
Other names: NM_001127464.1:c.9520G>A; short protein forms A3202T.
Identifiers: ClinVar variation 1767258 (VCV001767258.3), dbSNP rs767316063, ClinGen allele CA397124327.

ClinVar aggregate classification (germline): Uncertain significance (1 of 4 stars; one submission).

Conditions:
Cardiovascular phenotype. Identifiers: MedGen CN230736.

gnomAD v4.1: 6 of 1,541,692 alleles (0.00039%); highest among the groups gnomAD compares: South Asian, 0.0012%; no homozygotes.

Submission:

Ambry Genetics
Classification: Uncertain significance for Cardiovascular phenotype. Last evaluated: 2024-09-11. Review status: criteria provided, single submitter. Criteria: Ambry Variant Classification Scheme 2023. Collection method: clinical testing. Allele origin: germline.
Comment: The p.A3174T variant (also known as c.9520G>A), located in coding exon 2 of the ZNF469 gene, results from a G to A substitution at nucleotide position 9520. The alanine at codon 3174 is replaced by threonine, an amino acid with similar properties. This amino acid position is conserved. In addition, this alteration is predicted to be tolerated by in silico analysis. Since supporting evidence is limited at this time, the clinical significance of this alteration remains unclear.